The following is an entry in ClinVar:

ClinVar aggregate classification (germline): Conflicting classifications of pathogenicity. Review status: criteria provided, conflicting classifications (1 of 4 stars). 11 submissions from 11 submitters: Uncertain significance (7); Benign (1); Likely benign (3). Last evaluated 2026-08-10.

Conditions:
Inborn genetic diseases. Identifiers: MedGen C0950123, MeSH D030342.
Charcot-Marie-Tooth disease type 4. Also called: Charcot-Marie-Tooth disease, type IV; Charcot-Marie-Tooth, Type 4. Identifiers: Orphanet 64749, MedGen C4082197, MONDO:0018995.
Charcot-Marie-Tooth disease. Also called: Charcot-Marie-Tooth Hereditary Neuropathy; Charcot-Marie-Tooth Neuropathy. Identifiers: Orphanet 166, MedGen C0007959, MONDO:0015626.
SBF2-related disorder. Also called: SBF2-related condition.
Charcot-Marie-Tooth disease type 4B2. Also called: CHARCOT-MARIE-TOOTH DISEASE, WITH FOCALLY FOLDED MYELIN SHEATHS, AUTOSOMAL RECESSIVE, TYPE 4B2; Charcot-Marie-Tooth Neuropathy Type 4B2; CMT 4B2; CHARCOT-MARIE-TOOTH DISEASE, DEMYELINATING, TYPE 4B2. Identifiers: Orphanet 99956, MedGen C1858278, MONDO:0011475, OMIM 604563.

Submissions (11):

GeneDx
Classification: Uncertain significance. Last evaluated: 2026-08-10. Review status: criteria provided, single submitter. Criteria: GeneDx Variant Classification Process June 2021. Collection method: clinical testing. Allele origin: germline.
Comment: Reported previously in the heterozygous state in an individual with CMT2, who also had a variant in a different gene loosely associated with neuropathy. No conclusions regarding the pathogenicity of the c.5020_5022del variant can be made from the report (PMID: 25025039); Reported previously as a variant of uncertain significance in multiple patients with suspected Charcot-Marie-Tooth disease; however, no further clinical or segregation information was provided (PMID: 32376792); In-frame deletion of 1 amino acid in a non-repeat region; In silico analysis supports a deleterious effect on protein structure/function; This variant is associated with the following publications: (PMID: 32376792, 32884544, 25025039)

Women's Health and Genetics/Laboratory Corporation of America, LabCorp
Classification: Uncertain significance. Last evaluated: 2025-10-15. Review status: criteria provided, single submitter. Criteria: LabCorp Variant Classification Summary - May 2015. Collection method: clinical testing. Allele origin: germline.
Comment: Variant summary: SBF2 c.5020_5022delGAA (p.Glu1674del) results in an in-frame deletion that is predicted to remove 1 amino acid from the encoded protein. The variant allele was found at a frequency of 0.001 in 1607000 control chromosomes in the gnomAD database (v4.1), including 3 homozygotes. The variant was found predominantly within the European (Finnish and non-Finnish) subpopulations at frequencies of 0.0012-0.0017, which is somewhat lower than the estimated maximum for disease-causing variants in SBF2, allowing no clear conclusion about variant significance; although the occurrences in multiple homozygotes suggest that this variant is likely not associated with a high penetrance, severe, early onset disease phenotype in homozygotes. The variant, c.5020_5022delGAA, has been observed in heterozygous state in 2 patients from 59 Norwegian families affected with Charcot-Marie-Tooth Disease (CMT) (Hoyer_2014), and was also reported in 7 / 2517 Canadian individuals with suspected CMT (Volodarsky_2021); however no supportive evidence for causality was provided; in addition, the allele frequencies in these (suspected) CMT patients are similar to the European subpopulation frequencies reported in gnomAD. These reports do not provide unequivocal conclusions about association of the variant with Charcot-Marie-Tooth disease type 4B2. To our knowledge, no experimental evidence demonstrating an impact on protein function has been reported. The following publications have been ascertained in the context of this evaluation (PMID: 32376792, 25025039). ClinVar contains an entry for this variant (Variation ID: 216777). Based on the evidence outlined above, the variant was classified as VUS-possibly benign.

Athena Diagnostics
Classification: Benign. Last evaluated: 2025-05-14. Review status: criteria provided, single submitter. Criteria: Athena Diagnostics Criteria. Collection method: clinical testing. Allele origin: unknown.
Comment: The frequency of this variant in the general population is higher than would generally be expected for pathogenic variants in this gene.

PreventionGenetics, part of Exact Sciences
Classification: Likely benign for SBF2-related condition. Last evaluated: 2025-05-06. Review status: criteria provided, single submitter. Criteria: ACMG Guidelines, 2015. Collection method: clinical testing. Allele origin: germline.
Comment: This variant is classified as likely benign based on ACMG/AMP sequence variant interpretation guidelines (Richards et al. 2015 PMID: 25741868, with internal and published modifications).

Mayo Clinic Laboratories, Mayo Clinic
Classification: Uncertain significance. Last evaluated: 2024-11-19. Review status: criteria provided, single submitter. Criteria: ACMG Guidelines, 2015. Collection method: clinical testing. Allele origin: germline. Observed: 7 variant alleles.
Comment: BS1

CeGaT Center for Human Genetics Tuebingen
Classification: Uncertain significance. Last evaluated: 2024-06-01. Review status: criteria provided, single submitter. Criteria: CeGaT Center For Human Genetics Tuebingen Variant Classification Criteria Version 2. Collection method: clinical testing. Allele origin: germline. Affected: yes. Observed: 3 variant alleles.
Comment: SBF2: PM4:Supporting, BP3

ARUP Laboratories, Molecular Genetics and Genomics, ARUP Laboratories
Classification: Likely benign for Charcot-Marie-Tooth disease type 4B2. Last evaluated: 2023-11-29. Review status: criteria provided, single submitter. Criteria: ARUP Molecular Germline Variant Investigation Process 2024. Collection method: clinical testing. Allele origin: germline.

Labcorp Genetics (formerly Invitae), Labcorp
Classification: Uncertain significance for Charcot-Marie-Tooth disease type 4. Last evaluated: 2022-11-01. Review status: criteria provided, single submitter. Criteria: Invitae Variant Classification Sherloc (09022015). Collection method: clinical testing. Allele origin: germline.
Comment: This variant, c.5020_5022del, results in the deletion of 1 amino acid(s) of the SBF2 protein (p.Glu1674del), but otherwise preserves the integrity of the reading frame. This variant is present in population databases (rs572571832, gnomAD 0.2%), including at least one homozygous and/or hemizygous individual. This variant has been observed in individual(s) with Charcot-Marie-Tooth disease (PMID: 25025039, 32376792). ClinVar contains an entry for this variant (Variation ID: 216777). Experimental studies and prediction algorithms are not available or were not evaluated, and the functional significance of this variant is currently unknown. In summary, the available evidence is currently insufficient to determine the role of this variant in disease. Therefore, it has been classified as a Variant of Uncertain Significance.

Ambry Genetics
Classification: Likely benign for Inborn genetic diseases. Last evaluated: 2019-09-18. Review status: criteria provided, single submitter. Criteria: Ambry Variant Classification Scheme 2023. Collection method: clinical testing. Allele origin: germline.

Genetic Services Laboratory, University of Chicago
Classification: Uncertain significance. Last evaluated: 2019-06-14. Review status: criteria provided, single submitter. Criteria: ACMG Guidelines, 2015. Collection method: clinical testing. Allele origin: germline. Affected: no.

Molecular Genetics Laboratory, London Health Sciences Centre
Classification: Uncertain significance for Charcot-Marie-Tooth disease. Review status: criteria provided, single submitter. Criteria: ACMG Guidelines, 2015. Collection method: clinical testing. Allele origin: germline. Affected: yes.

Literature cited by the submitters: PubMed 32376792 (cited by 4 submitters); PubMed 25025039 (cited by 4 submitters); PubMed 32884544 (cited by Mayo Clinic Laboratories, Mayo Clinic).

NM_030962.4(SBF2):c.5017GAA[1] (p.Glu1674del)

Genes: SBF2 (SET binding factor 2; minus strand), SBF2-AS1 (SBF2 antisense RNA 1; plus strand), LOC105369149 (uncharacterized LOC105369149; plus strand). Cytogenetic location: 11p15.4.
Variant type: Microsatellite.
Coding change: c.5017GAA[1] on transcript NM_030962.4 (MANE Select); one copy of the 3-base unit GAA starting at c.5017; the reference has two copies in a row; one copy, 3 bases deleted.
Protein change: p.Glu1674del; deletes glutamic acid 1674.
Molecular consequence: inframe deletion.
Genome position (GRCh38, 1-based): chr11:9,787,649-9,787,651, TTC deleted on the plus strand (GAA on the coding strand, the reverse complement: SBF2 is on the minus strand); deleting any 3 consecutive bases within chr11:9,787,649-9,787,656 gives the same sequence; the position shown is the placement nearest the transcript's 3' end. VCF-style (leftmost placement, unchanged base first): chr11-9787648-GTTC-G. GRCh37 (hg19) VCF-style: chr11-9809195-GTTC-G.
Other names: c.5020_5022delGAA (NM_030962.3, NM_030962.4); c.5113GAA[1], p.Glu1706del (NM_001386339.1); c.4888GAA[1], p.Glu1631del (NM_001386342.1); short protein forms E1674del, E1631del, E1706del.
Identifiers: ClinVar variation 216777 (VCV000216777.59), dbSNP rs572571832, ClinGen allele CA337946.